The following is an entry in ClinVar:

ClinVar aggregate classification (germline): Benign/Likely benign. Review status: criteria provided, multiple submitters, no conflicts (2 of 4 stars). 3 submissions from 3 submitters: Benign (2); Likely benign (1). Last evaluated 2022-04-01.

Allele frequency attached by ClinVar (database versions not stated): gnomAD 0.00132 and 0.00157; TOPMed 0.00158; 1000 Genomes Project 0.00180; gnomAD exomes 0.00193 and 0.00230; 1000 Genomes Project 30x 0.00219; ExAC 0.00246; ESP Exome Variant Server 0.00246.
gnomAD v4.1: 3,038 of 1,586,242 alleles (0.19%); highest among the groups gnomAD compares: South Asian, 0.76%; 8 homozygotes.

Submissions (3):

CeGaT Center for Human Genetics Tuebingen
Classification: Likely benign. Last evaluated: 2022-04-01. Review status: criteria provided, single submitter. Criteria: CeGaT Center For Human Genetics Tuebingen Variant Classification Criteria Version 2. Collection method: clinical testing. Allele origin: germline. Affected: yes. Observed: 1 variant allele.
Comment: FRMPD1: BP4, BP7

Labcorp Genetics (formerly Invitae), Labcorp
Classification: Benign. Last evaluated: 2017-06-28. Review status: criteria provided, single submitter. Criteria: Invitae Variant Classification Sherloc (09022015). Collection method: clinical testing. Allele origin: germline.

Breakthrough Genomics
Classification: Benign. Review status: criteria provided, single submitter. Criteria: ACMG Guidelines, 2015. Collection method: not provided. Allele origin: germline. Inheritance: Unknown mechanism. Affected: yes.

NM_014907.3(FRMPD1):c.2361C>T (p.Pro787=)

Gene: FRMPD1 (FERM and PDZ domain containing 1; plus strand). Cytogenetic location: 9p13.2.
Variant type: single nucleotide variant.
Coding change: c.2361C>T on transcript NM_014907.3 (MANE Select); coding-DNA position 2361, C replaced by T.
Protein change: p.Pro787=; no amino-acid change (proline 787 retained).
Molecular consequence: synonymous variant.
Genome position (GRCh38, 1-based): chr9:37,744,393, C>T. VCF-style: chr9-37744393-C-T. GRCh37 (hg19) VCF-style: chr9-37744390-C-T.
Other names: c.2361C>T, p.Pro787= (NM_001371223.1, NM_001371224.1, NM_001371225.1).
Identifiers: ClinVar variation 790843 (VCV000790843.28), dbSNP rs151326689, ClinGen allele CA5061837.
Genomic context (GRCh38, chr9:37,744,393, plus strand): 5'-CTATTAACCTCTTTTTTTTGTGCTTTTTAATGTATTTTTTCTTTCCTGACTCCCAGGGCC[C>T]AGAGATGTTTCTACTGCAGAACCCAGTGCCACAAGCTTGCAGAATAAGGCCAGCACTTCT-3'
Protein context (NP_055722.2, residues 777-797): KLTPPGPPSG[Pro787=]RDVSTAEPSA